The following is an entry in ClinVar:

NM_003104.6(SORD):c.182T>C (p.Ile61Thr)

Gene: SORD (sorbitol dehydrogenase; plus strand). Cytogenetic location: 15q21.1.
Variant type: single nucleotide variant.
Coding change: c.182T>C on transcript NM_003104.6 (MANE Select); coding-DNA position 182, T replaced by C.
Protein change: p.Ile61Thr; replaces isoleucine 61 with threonine.
Molecular consequence: missense variant. On other transcripts: non-coding transcript variant (1).
Genome position (GRCh38, 1-based): chr15:45,043,338, T>C. VCF-style: chr15-45043338-T-C. GRCh37 (hg19) VCF-style: chr15-45335536-T-C.
Other names: c.182T>C (NM_003104.5); short protein forms I61T.
Identifiers: ClinVar variation 2498609 (VCV002498609.28), dbSNP rs560288236, ClinGen allele CA7537080.

ClinVar aggregate classification (germline): Conflicting classifications of pathogenicity. Review status: criteria provided, conflicting classifications (1 of 4 stars). 2 submissions from 2 submitters: Uncertain significance (1); Likely benign (1). Last evaluated 2025-11-07.

Conditions:
Inborn genetic diseases. Identifiers: MedGen C0950123, MeSH D030342.

Allele frequency attached by ClinVar (database versions not stated): ExAC 0.00020; 1000 Genomes Project 0.00080; 1000 Genomes Project 30x 0.00109.

Submissions (2):

Ambry Genetics
Classification: Uncertain significance for Inborn genetic diseases. Last evaluated: 2025-11-07. Review status: criteria provided, single submitter. Criteria: Ambry Variant Classification Scheme 2023. Collection method: clinical testing. Allele origin: germline.

CeGaT Center for Human Genetics Tuebingen
Classification: Likely benign. Last evaluated: 2025-07-01. Review status: criteria provided, single submitter. Criteria: CeGaT Center For Human Genetics Tuebingen Variant Classification Criteria Version 2. Collection method: clinical testing. Allele origin: germline. Affected: yes. Observed: 4 variant alleles.
Comment: SORD: BP4